The following is an entry in ClinVar:

ClinVar aggregate classification (germline): Pathogenic (1 of 4 stars; one submission).

Conditions:
Epilepsy, idiopathic generalized, susceptibility to, 15 (EIG15). Identifiers: MedGen C5193050, MONDO:0032699, OMIM 618357.

Submission:

Foundation for Research in Genetics and Endocrinology, FRIGE's Institute of Human Genetics
Classification: Pathogenic for Epilepsy, idiopathic generalized, susceptibility to, 15. Last evaluated: 2021-07-21. Review status: criteria provided, single submitter. Criteria: ACMG Guidelines, 2015. Collection method: research. Allele origin: paternal. Inheritance: Autosomal dominant inheritance. Affected: yes. Observed: 1 heterozygote.
Comment: A heterozygous nonsense variation in exon 3 of the RORB gene that results in premature truncation of the Glutamine at codon 68. The observed variant c.202C>T(p.Gln68Ter) has not been reported in the 1000 genomes and gnomAD databases. The in-silico prediction of the variant are damaging by DANN, LRT and MutationTaster2 and intolerant by MetaDome. The reference codon is conserved across species. In summary, the variant meets our criteria to be classified as a pathogenic variant.

NM_006914.4(RORB):c.202C>T (p.Gln68Ter)

Gene: RORB (RAR related orphan receptor B; plus strand). Cytogenetic location: 9q21.13.
Variant type: single nucleotide variant.
Coding change: c.202C>T on transcript NM_006914.4 (MANE Select); coding-DNA position 202, C replaced by T.
Protein change: p.Gln68Ter; replaces glutamine 68 with a stop codon.
Molecular consequence: nonsense.
Genome position (GRCh38, 1-based): chr9:74,634,739, C>T. VCF-style: chr9-74634739-C-T. GRCh37 (hg19) VCF-style: chr9-77249655-C-T.
Other names: p.Gln68Ter; c.235C>T, p.Gln79Ter (NM_001365023.1); short protein forms Q68*, Q79*.
Identifiers: ClinVar variation 1327473 (VCV001327473.3), dbSNP rs2118433425, ClinGen allele CA373772331.